The following is an entry in ClinVar:

NM_002408.4(MGAT2):c.315G>T (p.Arg105Ser)

Gene: MGAT2 (alpha-1,6-mannosyl-glycoprotein 2-beta-N-acetylglucosaminyltransferase; plus strand). Cytogenetic location: 14q21.3.
Variant type: single nucleotide variant.
Coding change: c.315G>T on transcript NM_002408.4 (MANE Select); coding-DNA position 315, G replaced by T.
Protein change: p.Arg105Ser; replaces arginine 105 with serine.
Molecular consequence: missense variant.
Genome position (GRCh38, 1-based): chr14:49,621,583, G>T. VCF-style: chr14-49621583-G-T. GRCh37 (hg19) VCF-style: chr14-50088301-G-T.
Other names: short protein forms R105S.
Identifiers: ClinVar variation 1353108 (VCV001353108.8), dbSNP rs147502375, ClinGen allele CA7172518.
Genomic context (GRCh38, chr14:49,621,583, plus strand): 5'-CAACCTGACGCTGCGGTACCGGTCCCTGGTGTACCAGCTGAACTTTGATCAGACCCTGAG[G>T]AATGTAGATAAGGCTGGCACCTGGGCCCCCCGGGAGCTGGTGCTGGTGGTCCAGGTGCAT-3'
Protein context (NP_002399.1, residues 95-115): VYQLNFDQTL[Arg105Ser]NVDKAGTWAP

ClinVar aggregate classification (germline): Uncertain significance (1 of 4 stars; one submission).

Conditions:
MGAT2-congenital disorder of glycosylation. Also called: MENTAL RETARDATION, GROWTH RETARDATION, PROMINENT COLUMELLA, AND OPEN MOUTH; Alkuraya syndrome; MGAT2-CDG; Congenital disorder of glycosylation, type IIa; CDG IIa. Identifiers: Orphanet 79329, MedGen C2931008, MONDO:0008908, OMIM 212066.

gnomAD v4.1: 22 of 1,614,048 alleles (0.0014%); highest among the groups gnomAD compares: Non-Finnish European, 0.0018%; no homozygotes.

Submission:

Labcorp Genetics (formerly Invitae), Labcorp
Classification: Uncertain significance for MGAT2-congenital disorder of glycosylation. Last evaluated: 2022-06-28. Review status: criteria provided, single submitter. Criteria: Invitae Variant Classification Sherloc (09022015). Collection method: clinical testing. Allele origin: germline.
Comment: Algorithms developed to predict the effect of missense changes on protein structure and function (SIFT, PolyPhen-2, Align-GVGD) all suggest that this variant is likely to be tolerated. This variant has not been reported in the literature in individuals affected with MGAT2-related conditions. This variant is present in population databases (rs147502375, gnomAD 0.002%). This sequence change replaces arginine, which is basic and polar, with serine, which is neutral and polar, at codon 105 of the MGAT2 protein (p.Arg105Ser). In summary, the available evidence is currently insufficient to determine the role of this variant in disease. Therefore, it has been classified as a Variant of Uncertain Significance.